The following is an entry in ClinVar:

NM_198253.3(TERT):c.2496G>A (p.Pro832=)

Gene: TERT (telomerase reverse transcriptase; minus strand). Cytogenetic location: 5p15.33.
Variant type: single nucleotide variant.
Coding change: c.2496G>A on transcript NM_198253.3 (MANE Select); coding-DNA position 2496, G replaced by A.
Protein change: p.Pro832=; no amino-acid change (proline 832 retained).
Molecular consequence: synonymous variant. On other transcripts: non-coding transcript variant (2).
Genome position (GRCh38, 1-based): chr5:1,268,606, C>T on the plus strand (G>A on the coding strand, the complement: TERT is on the minus strand). VCF-style: chr5-1268606-C-T. GRCh37 (hg19) VCF-style: chr5-1268721-C-T.
Other names: c.2496G>A, p.Pro832= (NM_001193376.3).
Identifiers: ClinVar variation 704108 (VCV000704108.24), dbSNP rs763470933, ClinGen allele CA3184476.

ClinVar aggregate classification (germline): Likely benign. Review status: criteria provided, multiple submitters, no conflicts (2 of 4 stars). 5 submissions from 5 submitters: Likely benign (4). 1 of the submissions does not count toward it. Last evaluated 2026-01-05.

Conditions:
Dyskeratosis congenita. Identifiers: Orphanet 1775, MedGen C0265965, MONDO:0015780.
Dyskeratosis congenita, autosomal dominant 2. Identifiers: MedGen C3151443, MONDO:0013521, OMIM 613989.
Idiopathic Pulmonary Fibrosis. Also called: Idiopathic fibrosing alveolitis, chronic form; idiopathic fibrosing alveolitis. Identifiers: Orphanet 2032, MedGen C1800706, MeSH D054990, MONDO:0800504.
TERT-related disorder. Also called: TERT-related disorders; TERT-related condition.

Allele frequency attached by ClinVar (database versions not stated): TOPMed 0.00001; gnomAD 0.00003.
gnomAD v4.1: 22 of 1,612,926 alleles (0.0014%); highest among the groups gnomAD compares: East Asian, 0.0045%; no homozygotes.

Submissions (5):

Labcorp Genetics (formerly Invitae), Labcorp
Classification: Likely benign for Dyskeratosis congenita, autosomal dominant 2; Idiopathic Pulmonary Fibrosis. Last evaluated: 2026-01-05. Review status: criteria provided, single submitter. Criteria: Invitae Variant Classification Sherloc (09022015). Collection method: clinical testing. Allele origin: germline.

CeGaT Center for Human Genetics Tuebingen
Classification: Likely benign. Last evaluated: 2025-06-01. Review status: criteria provided, single submitter. Criteria: CeGaT Center For Human Genetics Tuebingen Variant Classification Criteria Version 2. Collection method: clinical testing. Allele origin: germline. Affected: yes. Observed: 1 variant allele.
Comment: TERT: BP4, BP7

Ambry Genetics
Classification: Likely benign for Dyskeratosis congenita. Last evaluated: 2022-03-14. Review status: criteria provided, single submitter. Criteria: Ambry Variant Classification Scheme 2023. Collection method: clinical testing. Allele origin: germline.

Blueprint Genetics
Classification: Likely benign. Last evaluated: 2019-09-07. Review status: criteria provided, single submitter. Criteria: ACMG Guidelines, 2015. Collection method: clinical testing. Allele origin: germline.

PreventionGenetics, part of Exact Sciences
Classification: Likely benign for TERT-related condition. Last evaluated: 2023-11-29. Review status: no assertion criteria provided. Collection method: clinical testing. Allele origin: germline. Not counted in ClinVar's aggregate classification.
Comment: This variant is classified as likely benign based on ACMG/AMP sequence variant interpretation guidelines (Richards et al. 2015 PMID: 25741868, with internal and published modifications).